The following is an entry in ClinVar:

ClinVar aggregate classification (germline): Uncertain significance (1 of 4 stars; one submission).

Submission:

GeneDx
Classification: Uncertain significance. Last evaluated: 2024-11-22. Review status: criteria provided, single submitter. Criteria: GeneDx Variant Classification Process June 2021. Collection method: clinical testing. Allele origin: germline. Affected: yes.
Comment: Not observed at significant frequency in large population cohorts (gnomAD); Has not been previously published as pathogenic or benign to our knowledge; In silico analysis suggests this variant may impact gene splicing. In the absence of RNA/functional studies, the actual effect of this sequence change is unknown.

NM_018008.4(FEZF2):c.852+5G>A

Gene: FEZF2 (FEZ family zinc finger 2; minus strand). Cytogenetic location: 3p14.2.
Variant type: single nucleotide variant.
Coding change: c.852+5G>A on transcript NM_018008.4 (MANE Select); 5 bases into the intron after coding-DNA position 852, G replaced by A.
Molecular consequence: intron variant.
Genome position (GRCh38, 1-based): chr3:62,372,012, C>T on the plus strand (G>A on the coding strand, the complement: FEZF2 is on the minus strand). VCF-style: chr3-62372012-C-T. GRCh37 (hg19) VCF-style: chr3-62357687-C-T.
Identifiers: ClinVar variation 3900487 (VCV003900487.1).